The following is an entry in ClinVar:

NM_001371623.1(TCOF1):c.2807G>A (p.Ser936Asn)

Gene: TCOF1 (treacle ribosome biogenesis factor 1; plus strand). Cytogenetic location: 5q32.
Variant type: single nucleotide variant.
Coding change: c.2807G>A on transcript NM_001371623.1 (MANE Select); coding-DNA position 2807, G replaced by A.
Protein change: p.Ser936Asn; replaces serine 936 with asparagine.
Molecular consequence: missense variant.
Genome position (GRCh38, 1-based): chr5:150,379,680, G>A. VCF-style: chr5-150379680-G-A. GRCh37 (hg19) VCF-style: chr5-149759243-G-A.
Other names: c.2576G>A, p.Ser859Asn (NM_000356.4, NM_001135245.2); c.2807G>A, p.Ser936Asn (NM_001008657.3, NM_001135243.2, NM_001135244.2 and 1 more transcripts); short protein forms S859N, S936N.
Identifiers: ClinVar variation 2703995 (VCV002703995.3), dbSNP rs1290134650, ClinGen allele CA361759524.
Genomic context (GRCh38, chr5:150,379,680, plus strand): 5'-CTGGGAAGACAGGGCCTTCGGCTGCCCAGGCAGGGAAGCAGGATGACTCAGGGAGCAGCA[G>A]CGAGGAATCAGACAGTGATGGGGAGGCACCGGCAGCTGTGACCTCTGCCCAGGTAAGACT-3'
Protein context (NP_001358552.1, residues 926-946): AGKQDDSGSS[Ser936Asn]EESDSDGEAP

ClinVar aggregate classification (germline): Uncertain significance (1 of 4 stars; one submission).

Conditions:
Treacher Collins syndrome 1 (TCS1). Also called: TCOF1-Related Treacher Collins Syndrome. Identifiers: Orphanet 861, MedGen CN315775, MONDO:0007944, OMIM 154500.

gnomAD v4.1: 1 of 1,614,220 alleles (0.000062%); highest among the groups gnomAD compares: Non-Finnish European, 0.000085%; no homozygotes.

Submission:

Labcorp Genetics (formerly Invitae), Labcorp
Classification: Uncertain significance for Treacher Collins syndrome 1. Last evaluated: 2023-12-18. Review status: criteria provided, single submitter. Criteria: Invitae Variant Classification Sherloc (09022015). Collection method: clinical testing. Allele origin: germline.
Comment: This sequence change replaces serine, which is neutral and polar, with asparagine, which is neutral and polar, at codon 936 of the TCOF1 protein (p.Ser936Asn). This variant is not present in population databases (gnomAD no frequency). This variant has not been reported in the literature in individuals affected with TCOF1-related conditions. Advanced modeling of protein sequence and biophysical properties (such as structural, functional, and spatial information, amino acid conservation, physicochemical variation, residue mobility, and thermodynamic stability) has been performed at Invitae for this missense variant, however the output from this modeling did not meet the statistical confidence thresholds required to predict the impact of this variant on TCOF1 protein function. In summary, the available evidence is currently insufficient to determine the role of this variant in disease. Therefore, it has been classified as a Variant of Uncertain Significance.